The following is an entry in ClinVar:

NM_001006658.3(CR2):c.2816G>A (p.Cys939Tyr)

Gene: CR2 (complement C3d receptor 2; plus strand). Cytogenetic location: 1q32.2.
Variant type: single nucleotide variant.
Coding change: c.2816G>A on transcript NM_001006658.3 (MANE Select); coding-DNA position 2816, G replaced by A.
Protein change: p.Cys939Tyr; replaces cysteine 939 with tyrosine.
Molecular consequence: missense variant.
Genome position (GRCh38, 1-based): chr1:207,476,333, G>A. VCF-style: chr1-207476333-G-A. GRCh37 (hg19) VCF-style: chr1-207649678-G-A.
Other names: c.2639G>A, p.Cys880Tyr (NM_001877.5); short protein forms C880Y, C939Y.
Identifiers: ClinVar variation 1396872 (VCV001396872.8), dbSNP rs937641582, ClinGen allele CA36653380.

ClinVar aggregate classification (germline): Uncertain significance (1 of 4 stars; one submission).

Conditions:
Immunodeficiency, common variable, 7. Identifiers: Orphanet 1572, Orphanet 696894, MedGen C3542922, MONDO:0013862, OMIM 614699.

Allele frequency attached by ClinVar (database versions not stated): gnomAD 0.00001; TOPMed below 0.00001.
gnomAD v4.1: 1 of 1,613,900 alleles (0.000062%); highest among the groups gnomAD compares: African/African-American, 0.0013%; no homozygotes.

Submission:

Labcorp Genetics (formerly Invitae), Labcorp
Classification: Uncertain significance for Immunodeficiency, common variable, 7. Last evaluated: 2021-02-20. Review status: criteria provided, single submitter. Criteria: Invitae Variant Classification Sherloc (09022015). Collection method: clinical testing. Allele origin: germline.
Comment: This sequence change replaces cysteine with tyrosine at codon 939 of the CR2 protein (p.Cys939Tyr). The cysteine residue is highly conserved and there is a large physicochemical difference between cysteine and tyrosine. In summary, the available evidence is currently insufficient to determine the role of this variant in disease. Therefore, it has been classified as a Variant of Uncertain Significance. Algorithms developed to predict the effect of missense changes on protein structure and function (SIFT, PolyPhen-2, Align-GVGD) all suggest that this variant is likely to be disruptive, but these predictions have not been confirmed by published functional studies and their clinical significance is uncertain. This variant has not been reported in the literature in individuals with CR2-related conditions. This variant is not present in population databases (ExAC no frequency).